The following is an entry in ClinVar:

NM_017514.5(PLXNA3):c.609G>A (p.Glu203=)

Gene: PLXNA3 (plexin A3; plus strand). Cytogenetic location: Xq28.
Variant type: single nucleotide variant.
Coding change: c.609G>A on transcript NM_017514.5 (MANE Select); coding-DNA position 609, G replaced by A.
Protein change: p.Glu203=; no amino-acid change (glutamic acid 203 retained).
Molecular consequence: synonymous variant.
Genome position (GRCh38, 1-based): chrX:154,461,113, G>A. VCF-style: chrX-154461113-G-A. GRCh37 (hg19) VCF-style: chrX-153689453-G-A.
Identifiers: ClinVar variation 4988042 (VCV004988042.1).
Genomic context (GRCh38, chrX:154,461,113, plus strand): 5'-TGGCACAGGGCCTCACCGGATGCTGTCTCCTCCCCCTGCTCCCCAGGTGTACCAGGATGA[G>A]TTTGTGTCCTCCCAGATCAAGATCCCCTCAGACACGCTGTCCTTGTACCCTGCCTTTGAC-3'
Protein context (NP_059984.3, residues 193-213): ADMFSLVYQD[Glu203=]FVSSQIKIPS

ClinVar aggregate classification (germline): Uncertain significance (1 of 4 stars; one submission).

Conditions:
PLXNA3-related disorder. Also called: PLXNA3-related condition.

Submission:

PreventionGenetics, part of Exact Sciences
Classification: Uncertain significance for PLXNA3-related condition. Last evaluated: 2024-12-22. Review status: criteria provided, single submitter. Criteria: ACMG Guidelines, 2015. Collection method: clinical testing. Allele origin: germline.
Comment: The PLXNA3 c.609G>A variant is not predicted to result in an amino acid change (p.=). To our knowledge, this variant has not been reported in the literature or in a large population database (gnomAD), indicating this variant is rare. This variant is predicted to alter splicing based on available splicing prediction programs (SpliceAI, Jaganathan et al. 2019. PubMed ID: 30661751). However, the use of computer prediction programs is not equivalent to functional evidence. At this time, the clinical significance of this variant is uncertain due to the absence of conclusive functional and genetic evidence.